The following is an entry in ClinVar:

ClinVar aggregate classification (germline): Pathogenic (1 of 4 stars; one submission).

Conditions:
Duchenne muscular dystrophy (DMD). Also called: MUSCULAR DYSTROPHY, PSEUDOHYPERTROPHIC PROGRESSIVE, DUCHENNE TYPE; Duchenne Muscular Dystrophy (DMD). Identifiers: Orphanet 98896, MedGen C0013264, MONDO:0010679, OMIM 310200.

Submission:

Labcorp Genetics (formerly Invitae), Labcorp
Classification: Pathogenic for Duchenne muscular dystrophy. Last evaluated: 2025-08-11. Review status: criteria provided, single submitter. Criteria: Invitae Variant Classification Sherloc (09022015). Collection method: clinical testing. Allele origin: germline.
Comment: This sequence change creates a premature translational stop signal (p.Lys2254Serfs*20) in the DMD gene. It is expected to result in an absent or disrupted protein product. Loss-of-function variants in DMD are known to be pathogenic (PMID: 16770791, 25007885). This variant is not present in population databases (gnomAD no frequency). This variant has not been reported in the literature in individuals affected with DMD-related conditions. Algorithms developed to predict the effect of sequence changes on RNA splicing suggest that this variant may disrupt the consensus splice site. For these reasons, this variant has been classified as Pathogenic.

Literature cited by the submitters: PubMed 16770791; PubMed 25007885.

NM_004006.3(DMD):c.6755_6758dup (p.Lys2254fs)

Gene: DMD (dystrophin; minus strand). Cytogenetic location: Xp21.1.
Variant type: Duplication.
Coding change: c.6755_6758dup on transcript NM_004006.3 (MANE Select); coding-DNA positions 6755 to 6758, 4 bases duplicated (AAGT; older notation c.6755_6758dupAAGT).
Protein change: p.Lys2254fs; shifts the reading frame from lysine 2254.
Molecular consequence: frameshift variant. On other transcripts: 5 prime UTR variant (5).
Genome position (GRCh38, 1-based): chrX:31,932,084-31,932,087, ACTT duplicated on the plus strand (AAGT on the coding strand, the reverse complement: DMD is on the minus strand). VCF-style (leftmost placement, unchanged base first): chrX-31932083-G-GACTT. GRCh37 (hg19) VCF-style: chrX-31950200-G-GACTT.
Other names: c.6731_6734dup, p.Lys2246fs (NM_000109.4); c.6743_6746dup, p.Lys2250fs (NM_004009.3); c.6386_6389dup, p.Lys2131fs (NM_004010.3); c.2732_2735dup, p.Lys913fs (NM_004011.4); c.2723_2726dup, p.Lys910fs (NM_004012.4); c.-626_-623dup (NM_004013.3, NM_004020.4, NM_004021.3 and 2 more transcripts); short protein forms K2250fs, K910fs, K2131fs, K2254fs, K913fs, K2246fs.
Identifiers: ClinVar variation 4724885 (VCV004724885.1).
Genomic context (GRCh38, chrX:31,932,083, plus strand): 5'-GATTCATATACTTCTTTATGCAAGCAGGCCCTGGGGGATTTGAGAAAATAAAATTACCTT[G>GACTT]ACTTGCTCAAGCTTTTCTTTTAGTTGCTGCTCTTTTCCAGGTTCAAGTGGGATACTAGCA-3'